The following is an entry in ClinVar:

NM_015570.4(AUTS2):c.835G>A (p.Glu279Lys)

Gene: AUTS2 (activator of transcription and developmental regulator AUTS2; plus strand). Cytogenetic location: 7q11.22.
Variant type: single nucleotide variant.
Coding change: c.835G>A on transcript NM_015570.4 (MANE Select); coding-DNA position 835, G replaced by A.
Protein change: p.Glu279Lys; replaces glutamic acid 279 with lysine.
Molecular consequence: missense variant.
Genome position (GRCh38, 1-based): chr7:70,762,962, G>A. VCF-style: chr7-70762962-G-A. GRCh37 (hg19) VCF-style: chr7-70227948-G-A.
Other names: c.835G>A, p.Glu279Lys (NM_001127231.3); short protein forms E279K.
Identifiers: ClinVar variation 1312718 (VCV001312718.2), dbSNP rs2129556952, ClinGen allele CA367667283.

ClinVar aggregate classification (germline): Uncertain significance (1 of 4 stars; one submission).

Submission:

GeneDx
Classification: Uncertain significance. Last evaluated: 2020-06-23. Review status: criteria provided, single submitter. Criteria: GeneDx Variant Classification Process June 2021. Collection method: clinical testing. Allele origin: germline. Affected: yes.
Comment: Not observed in large population cohorts (Lek et al., 2016); In silico analysis supports that this missense variant has a deleterious effect on protein structure/function; Has not been previously published as pathogenic or benign to our knowledge